The following is an entry in ClinVar:

NM_198060.4(NRAP):c.4648C>T (p.Arg1550Trp)

Gene: NRAP (nebulin related anchoring protein; minus strand). Cytogenetic location: 10q25.3.
Variant type: single nucleotide variant.
Coding change: c.4648C>T on transcript NM_198060.4 (MANE Select); coding-DNA position 4648, C replaced by T.
Protein change: p.Arg1550Trp; replaces arginine 1550 with tryptophan.
Molecular consequence: missense variant.
Genome position (GRCh38, 1-based): chr10:113,590,886, G>A on the plus strand (C>T on the coding strand, the complement: NRAP is on the minus strand). VCF-style: chr10-113590886-G-A. GRCh37 (hg19) VCF-style: chr10-115350645-G-A.
Other names: c.4648C>T, p.Arg1550Trp (NM_001261463.2); c.4540C>T, p.Arg1514Trp (NM_001322945.2); c.4543C>T, p.Arg1515Trp (NM_006175.5); c.4648C>T (NM_198060.3); short protein forms R1514W, R1515W, R1550W.
Identifiers: ClinVar variation 3354012 (VCV003354012.3), dbSNP rs140046254.

ClinVar aggregate classification (germline): Conflicting classifications of pathogenicity. Review status: criteria provided, conflicting classifications (1 of 4 stars). 3 submissions from 3 submitters: Uncertain significance (1); Likely benign (1). 1 of the submissions does not count toward it. Last evaluated 2025-04-09.

Conditions:
NRAP-related disorder. Also called: NRAP-related condition.
Cardiovascular phenotype. Identifiers: MedGen CN230736.

gnomAD v4.1: 2,723 of 1,613,172 alleles (0.17%); highest among the groups gnomAD compares: Non-Finnish European, 0.22%; 4 homozygotes.

Submissions (3):

Molecular Diagnostic Laboratory for Inherited Cardiovascular Disease, Montreal Heart Institute
Classification: Uncertain significance for Cardiovascular phenotype. Last evaluated: 2025-04-09. Review status: criteria provided, single submitter. Criteria: ACMG Guidelines, 2015. Collection method: clinical testing. Allele origin: germline. Affected: yes.

Blueprint Genetics
Classification: Likely benign. Last evaluated: 2024-11-06. Review status: criteria provided, single submitter. Criteria: ACMG Guidelines, 2015. Collection method: clinical testing. Allele origin: germline.

PreventionGenetics, part of Exact Sciences
Classification: Likely benign for NRAP-related condition. Last evaluated: 2024-03-26. Review status: no assertion criteria provided. Collection method: clinical testing. Allele origin: germline. Not counted in ClinVar's aggregate classification.
Comment: This variant is classified as likely benign based on ACMG/AMP sequence variant interpretation guidelines (Richards et al. 2015 PMID: 25741868, with internal and published modifications).